The following is an entry in ClinVar:

ClinVar aggregate classification (germline): Uncertain significance (1 of 4 stars; one submission).

Conditions:
Congenital myasthenic syndrome 8. Also called: MYASTHENIC SYNDROME, CONGENITAL, DUE TO AGRIN DEFICIENCY; Myasthenic syndrome, congenital, 8, with pre- and postsynaptic defects. Identifiers: Orphanet 590, MedGen C3808739, MONDO:0014052, OMIM 615120.

Submission:

Labcorp Genetics (formerly Invitae), Labcorp
Classification: Uncertain significance for Congenital myasthenic syndrome 8. Last evaluated: 2021-10-20. Review status: criteria provided, single submitter. Criteria: Invitae Variant Classification Sherloc (09022015). Collection method: clinical testing. Allele origin: germline.
Comment: In summary, the available evidence is currently insufficient to determine the role of this variant in disease. Therefore, it has been classified as a Variant of Uncertain Significance. This variant is not present in population databases (ExAC no frequency). This variant has not been reported in the literature in individuals affected with AGRN-related conditions. Variants that disrupt the consensus splice site are a relatively common cause of aberrant splicing (PMID: 17576681, 9536098). Algorithms developed to predict the effect of sequence changes on RNA splicing suggest that this variant is not likely to affect RNA splicing. This sequence change falls in intron 29 of the AGRN gene. It does not directly change the encoded amino acid sequence of the AGRN protein. It affects a nucleotide within the consensus splice site.

Literature cited by the submitters: PubMed 17576681; PubMed 9536098.

NM_198576.4(AGRN):c.5141+4G>A

Gene: AGRN (agrin; plus strand). Cytogenetic location: 1p36.33.
Variant type: single nucleotide variant.
Coding change: c.5141+4G>A on transcript NM_198576.4 (MANE Select); 4 bases into the intron after coding-DNA position 5141, G replaced by A.
Molecular consequence: intron variant.
Genome position (GRCh38, 1-based): chr1:1,050,595, G>A. VCF-style: chr1-1050595-G-A. GRCh37 (hg19) VCF-style: chr1-985975-G-A.
Other names: c.5141+4G>A (NM_001305275.2); c.4826+4G>A (NM_001364727.2).
Identifiers: ClinVar variation 1345731 (VCV001345731.6), dbSNP rs2100683834, ClinGen allele CA2573130459.